The following is an entry in ClinVar:

NM_001283009.2(RTEL1):c.3344G>T (p.Arg1115Met)

Genes: RTEL1 (regulator of telomere elongation helicase 1; plus strand), RTEL1-TNFRSF6B (RTEL1-TNFRSF6B readthrough (NMD candidate); plus strand). Cytogenetic location: 20q13.33.
Variant type: single nucleotide variant.
Coding change: c.3344G>T on transcript NM_001283009.2 (MANE Select); coding-DNA position 3344, G replaced by T.
Protein change: p.Arg1115Met; replaces arginine 1115 with methionine.
Molecular consequence: missense variant. On other transcripts: non-coding transcript variant (1).
Genome position (GRCh38, 1-based): chr20:63,695,066, G>T. VCF-style: chr20-63695066-G-T. GRCh37 (hg19) VCF-style: chr20-62326419-G-T.
Other names: c.2675G>T, p.Arg892Met (NM_001283010.1); c.3344G>T, p.Arg1115Met (NM_016434.4); c.3416G>T, p.Arg1139Met (NM_032957.5); short protein forms R1139M, R892M, R1115M.
Identifiers: ClinVar variation 3948455 (VCV003948455.1).

ClinVar aggregate classification (germline): Uncertain significance (1 of 4 stars; one submission).

Conditions:
Inborn genetic diseases. Identifiers: MedGen C0950123, MeSH D030342.

Submission:

Ambry Genetics
Classification: Uncertain significance for Inborn genetic diseases. Last evaluated: 2025-06-05. Review status: criteria provided, single submitter. Criteria: Ambry Variant Classification Scheme 2023. Collection method: clinical testing. Allele origin: germline.
Comment: The p.R1115M variant (also known as c.3344G>T) is located in coding exon 32 of the RTEL1 gene. The arginine at codon 1115 is replaced by methionine, an amino acid with similar properties. This change occurs in the first base pair of coding exon 32. This amino acid position is conserved. In addition, the in silico prediction for this alteration is inconclusive. Based on the available evidence, the clinical significance of this variant remains unclear.